The following is an entry in ClinVar:

NM_000133.4(F9):c.1292G>C (p.Trp431Ser)

Gene: F9 (coagulation factor IX; plus strand). Cytogenetic location: Xq27.1.
Variant type: single nucleotide variant.
Coding change: c.1292G>C on transcript NM_000133.4 (MANE Select); coding-DNA position 1292, G replaced by C.
Protein change: p.Trp431Ser; replaces tryptophan 431 with serine.
Molecular consequence: missense variant.
Genome position (GRCh38, 1-based): chrX:139,561,977, G>C. VCF-style: chrX-139561977-G-C. GRCh37 (hg19) VCF-style: chrX-138644136-G-C.
Other names: c.1178G>C, p.Trp393Ser (NM_001313913.2); short protein forms W393S, W431S.
Identifiers: ClinVar variation 4853699 (VCV004853699.1).

ClinVar aggregate classification (germline): Uncertain significance (1 of 4 stars; one submission).

Submission:

Women's Health and Genetics/Laboratory Corporation of America, LabCorp
Classification: Uncertain significance. Last evaluated: 2026-05-22. Review status: criteria provided, single submitter. Criteria: LabCorp Variant Classification Summary - May 2015. Collection method: clinical testing. Allele origin: germline.
Comment: Variant summary: F9 c.1292G>C (p.Trp431Ser) results in a non-conservative amino acid change in the encoded protein sequence. Algorithms developed to predict the effect of missense changes on protein structure and function all suggest that this variant is likely to be disruptive. The variant was absent in 182976 control chromosomes. The available data on variant occurrences in the general population are insufficient to allow any conclusion about variant significance. c.1292G>C has been observed in individual(s) affected with F9-related conditions without enough information to analyze (Johnsen_2022). These report(s) do not provide unequivocal conclusions about association of the variant with disease. To our knowledge, no experimental evidence demonstrating an impact on protein function has been reported. The following publication has been ascertained in the context of this evaluation (PMID: 35770352). No submitters have cited clinical-significance assessments for this variant to ClinVar. Based on the evidence outlined above, the variant was classified as uncertain significance.

Literature cited by the submitters: PubMed 35770352.